The following is an entry in ClinVar:

ClinVar aggregate classification (germline): Pathogenic (1 of 4 stars; one submission).

Submission:

Quest Diagnostics Nichols Institute San Juan Capistrano
Classification: Pathogenic. Last evaluated: 2023-12-15. Review status: criteria provided, single submitter. Criteria: ACMG/ClinGen CNV Guidelines, 2019. Collection method: clinical testing. Allele origin: unknown.
Comment: This duplication is consistent with the Xp11.22p11.23 recurrent region associated with chromosome Xp11.23-p11.22 duplication syndrome (OMIM 300801; ISCA-46290; Froyen 2007, Grams 2016, Nizon 2015, Rehm 2015). There are no similar copy number gains of this region in the general populations of the Database of Genomic Variants. Thus, this copy number variant (CNV) is classified as pathogenic. References: Froyen et al., Hum Mutat. 2007 Oct;28(10):1034-42. PMID: 17546640l Grams et al., Am J Med Genet A. 2016 Apr;170A(4):967-77. PMID: 26692240; Nizon et al., Am J Med Genet A. 2015 Jan;167A(1):111-22. PMID: 25425167; Rehm et al., N Engl J Med. 2015 Jun 4;372(23):2235-42. PMID: 26014595 (ISCA-46290)

GRCh37/hg19 Xp11.23-11.22(chrX:48224455-52832596)x3

Genes: AKAP4 (A-kinase anchoring protein 4; minus strand), BMP15 (bone morphogenetic protein 15; plus strand), CACNA1F (calcium voltage-gated channel subunit alpha1 F; minus strand), CCDC120 (coiled-coil domain containing 120; plus strand), CCDC22 (CCC complex scaffolding subunit CCDC22; plus strand) and 72 more. Cytogenetic location: Xp11.23-11.22.
Variant type: copy number gain.
Change: copy number 3 of chrX:48,224,455-52,832,596 (4.61 Mb, GRCh37 coordinates, 1-based), cytogenetic band Xp11.23-11.22.
Identifiers: ClinVar variation 2684980 (VCV002684980.1).